The following is an entry in ClinVar:

ClinVar aggregate classification (germline): Likely benign (1 of 4 stars; one submission).

Allele frequency attached by ClinVar (database versions not stated): 1000 Genomes Project 0.00020; 1000 Genomes Project 30x 0.00031; ESP Exome Variant Server 0.00062; ExAC 0.00123.
gnomAD v4.1: 1,491 of 1,604,336 alleles (0.093%); highest among the groups gnomAD compares: Middle Eastern, 0.17%; no homozygotes.

Submission:

CeGaT Center for Human Genetics Tuebingen
Classification: Likely benign. Last evaluated: 2022-05-01. Review status: criteria provided, single submitter. Criteria: CeGaT Center For Human Genetics Tuebingen Variant Classification Criteria Version 2. Collection method: clinical testing. Allele origin: germline. Affected: yes. Observed: 1 variant allele.
Comment: TREML2: BP4, BP7

NM_024807.4(TREML2):c.346T>C (p.Leu116=)

Gene: TREML2 (triggering receptor expressed on myeloid cells like 2; minus strand). Cytogenetic location: 6p21.1.
Variant type: single nucleotide variant.
Coding change: c.346T>C on transcript NM_024807.4 (MANE Select); coding-DNA position 346, T replaced by C.
Protein change: p.Leu116=; no amino-acid change (leucine 116 retained).
Molecular consequence: synonymous variant.
Genome position (GRCh38, 1-based): chr6:41,198,139, A>G on the plus strand (T>C on the coding strand, the complement: TREML2 is on the minus strand). VCF-style: chr6-41198139-A-G. GRCh37 (hg19) VCF-style: chr6-41165877-A-G.
Identifiers: ClinVar variation 2656541 (VCV002656541.24), dbSNP rs140974034, ClinGen allele CA3799208.